The following is an entry in ClinVar:

NM_015559.3(SETBP1):c.4188G>T (p.Lys1396Asn)

Gene: SETBP1 (SET binding protein 1; plus strand). Cytogenetic location: 18q12.3.
Variant type: single nucleotide variant.
Coding change: c.4188G>T on transcript NM_015559.3 (MANE Select); coding-DNA position 4188, G replaced by T.
Protein change: p.Lys1396Asn; replaces lysine 1396 with asparagine.
Molecular consequence: missense variant.
Genome position (GRCh38, 1-based): chr18:45,063,095, G>T. VCF-style: chr18-45063095-G-T. GRCh37 (hg19) VCF-style: chr18-42643060-G-T.
Other names: c.4188G>T, p.Lys1396Asn (NM_001379141.1, NM_001379142.1); short protein forms K1396N.
Identifiers: ClinVar variation 1698150 (VCV001698150.2), dbSNP rs2145592381, ClinGen allele CA402482739.

ClinVar aggregate classification (germline): Uncertain significance (1 of 4 stars; one submission).

Submission:

GeneDx
Classification: Uncertain significance. Last evaluated: 2022-01-20. Review status: criteria provided, single submitter. Criteria: GeneDx Variant Classification Process June 2021. Collection method: clinical testing. Allele origin: germline. Affected: yes.
Comment: Not observed at significant frequency in large population cohorts (gnomAD); In silico analysis supports that this missense variant does not alter protein structure/function; Has not been previously published as pathogenic or benign to our knowledge